The following is an entry in ClinVar:

ClinVar aggregate classification (germline): Uncertain significance (1 of 4 stars; one submission).

Conditions:
Curry-Hall syndrome (WAD). Also called: WEYERS ACRODENTAL DYSOSTOSIS. Identifiers: Orphanet 952, MedGen C0457013, MONDO:0008673, OMIM 193530.
Ellis-van Creveld syndrome (EVC). Also called: EVC-Related Ellis-van Creveld Syndrome; EVC2-Related Ellis-van Creveld Syndrome; MESOECTODERMAL DYSPLASIA; Chondroectodermal dysplasia. Identifiers: Orphanet 289, MedGen C0013903, MONDO:0009162, OMIM 225500.

Submission:

Labcorp Genetics (formerly Invitae), Labcorp
Classification: Uncertain significance for Curry-Hall syndrome; Ellis-van Creveld syndrome. Last evaluated: 2024-04-16. Review status: criteria provided, single submitter. Criteria: Invitae Variant Classification Sherloc (09022015). Collection method: clinical testing. Allele origin: germline.
Comment: This sequence change replaces histidine, which is basic and polar, with tyrosine, which is neutral and polar, at codon 334 of the EVC2 protein (p.His334Tyr). This variant is present in population databases (no rsID available, gnomAD 0.02%). This variant has not been reported in the literature in individuals affected with EVC2-related conditions. An algorithm developed to predict the effect of missense changes on protein structure and function (PolyPhen-2) suggests that this variant is likely to be tolerated. In summary, the available evidence is currently insufficient to determine the role of this variant in disease. Therefore, it has been classified as a Variant of Uncertain Significance.

NM_147127.5(EVC2):c.1000C>T (p.His334Tyr)

Genes: EVC2 (EvC ciliary complex subunit 2; minus strand), LOC126806962 (BRD4-independent group 4 enhancer GRCh37_chr4:5666069-5667268; plus strand). Cytogenetic location: 4p16.2.
Variant type: single nucleotide variant.
Coding change: c.1000C>T on transcript NM_147127.5 (MANE Select); coding-DNA position 1000, C replaced by T.
Protein change: p.His334Tyr; replaces histidine 334 with tyrosine.
Molecular consequence: missense variant.
Genome position (GRCh38, 1-based): chr4:5,665,520, G>A on the plus strand (C>T on the coding strand, the complement: EVC2 is on the minus strand). VCF-style: chr4-5665520-G-A. GRCh37 (hg19) VCF-style: chr4-5667247-G-A.
Other names: c.760C>T, p.His254Tyr (NM_001166136.2); short protein forms H254Y, H334Y.
Identifiers: ClinVar variation 3760613 (VCV003760613.2).
Genomic context (GRCh38, chr4:5,665,520, plus strand): 5'-ATGAACTTCAACCTCACATTCACCACCTTCCAAACCACCCTCAGGGAAGACTCACCCGAT[G>A]TCTGGTGAGCATGTTTCCCTTCAGACACTGATAGCGAACCATGAGGAAGAGGGCAGCCCA-3'
Protein context (NP_667338.3, residues 324-344): QCLKGNMLTR[His334Tyr]RVWQYESKLE